The following is an entry in ClinVar:

NM_021625.5(TRPV4):c.396G>A (p.Pro132=)

Gene: TRPV4 (transient receptor potential cation channel subfamily V member 4; minus strand). Cytogenetic location: 12q24.11.
Variant type: single nucleotide variant.
Coding change: c.396G>A on transcript NM_021625.5 (MANE Select); coding-DNA position 396, G replaced by A.
Protein change: p.Pro132=; no amino-acid change (proline 132 retained).
Molecular consequence: synonymous variant.
Genome position (GRCh38, 1-based): chr12:109,808,459, C>T on the plus strand (G>A on the coding strand, the complement: TRPV4 is on the minus strand). VCF-style: chr12-109808459-C-T. GRCh37 (hg19) VCF-style: chr12-110246264-C-T.
Other names: p.Pro132=; c.396G>A, p.Pro132= (NM_001177428.2, NM_001177433.2, NM_147204.3); c.294G>A, p.Pro98= (NM_001177431.2).
Identifiers: ClinVar variation 241388 (VCV000241388.47), dbSNP rs114101785, ClinGen allele CA6780548.

ClinVar aggregate classification (germline): Benign/Likely benign. Review status: criteria provided, multiple submitters, no conflicts (2 of 4 stars). 10 submissions from 10 submitters: Benign (7); Likely benign (3). Last evaluated 2026-07-01.

Conditions:
Charcot-Marie-Tooth disease. Also called: Charcot-Marie-Tooth Hereditary Neuropathy; Charcot-Marie-Tooth Neuropathy. Identifiers: Orphanet 166, MedGen C0007959, MONDO:0015626.
Inborn genetic diseases. Identifiers: MedGen C0950123, MeSH D030342.
Charcot-Marie-Tooth disease axonal type 2C (HMSN2C). Also called: Charcot-Marie-Tooth Disease Type 2, TRPV4-Related (CMT2C); CHARCOT-MARIE-TOOTH DISEASE, AXONAL, AUTOSOMAL DOMINANT, TYPE 2C; Charcot-Marie-Tooth Neuropathy Type 2C. Identifiers: Orphanet 99937, MedGen C1853710, MONDO:0011633, OMIM 606071.

Allele frequency attached by ClinVar (database versions not stated): 1000 Genomes Project 0.00260; 1000 Genomes Project 30x 0.00281; ESP Exome Variant Server 0.00284; TOPMed 0.00316.

Submissions (10):

CeGaT Center for Human Genetics Tuebingen
Classification: Likely benign. Last evaluated: 2026-07-01. Review status: criteria provided, single submitter. Criteria: CeGaT Center For Human Genetics Tuebingen Variant Classification Criteria Version 2. Collection method: clinical testing. Allele origin: germline. Affected: yes. Observed: 2 variant alleles.
Comment: TRPV4: BP4, BP7

Labcorp Genetics (formerly Invitae), Labcorp
Classification: Benign for Charcot-Marie-Tooth disease axonal type 2C. Last evaluated: 2025-12-22. Review status: criteria provided, single submitter. Criteria: Invitae Variant Classification Sherloc (09022015). Collection method: clinical testing. Allele origin: germline.

Athena Diagnostics
Classification: Benign. Last evaluated: 2025-01-14. Review status: criteria provided, single submitter. Criteria: Athena Diagnostics Criteria. Collection method: clinical testing. Allele origin: unknown.
Comment: The frequency of this variant in the general population is higher than would generally be expected for pathogenic variants in this gene. Computational tools yielded predictions that this variant is unlikely to have an effect on normal RNA splicing. This nucleotide position exhibits low evolutionary conservation.

Blueprint Genetics
Classification: Likely benign. Last evaluated: 2024-07-10. Review status: criteria provided, single submitter. Criteria: ACMG Guidelines, 2015. Collection method: clinical testing. Allele origin: germline.

ARUP Laboratories, Molecular Genetics and Genomics, ARUP Laboratories
Classification: Benign. Last evaluated: 2023-12-20. Review status: criteria provided, single submitter. Criteria: ARUP Molecular Germline Variant Investigation Process 2024. Collection method: clinical testing. Allele origin: germline.

GeneDx
Classification: Benign. Last evaluated: 2019-09-24. Review status: criteria provided, single submitter. Criteria: GeneDx Variant Classification Process June 2021. Collection method: clinical testing. Allele origin: germline. Affected: yes.

Ambry Genetics
Classification: Likely benign for Inborn genetic diseases. Last evaluated: 2019-07-11. Review status: criteria provided, single submitter. Criteria: Ambry Variant Classification Scheme 2023. Collection method: clinical testing. Allele origin: germline.

Mayo Clinic Laboratories, Mayo Clinic
Classification: Benign. Last evaluated: 2016-05-13. Review status: criteria provided, single submitter. Criteria: ACMG Guidelines, 2015. Collection method: clinical testing. Allele origin: germline. Observed: 1 variant allele.

Eurofins Ntd Llc (ga)
Classification: Benign. Last evaluated: 2015-10-08. Review status: criteria provided, single submitter. Criteria: EGL Classification Definitions 2015. Collection method: clinical testing. Allele origin: germline. Observed: 1 variant allele, 1 heterozygote.

Molecular Genetics Laboratory, London Health Sciences Centre
Classification: Benign for Charcot-Marie-Tooth disease. Review status: criteria provided, single submitter. Criteria: ACMG Guidelines, 2015. Collection method: clinical testing. Allele origin: germline. Affected: yes.